The following is an entry in ClinVar:

NM_000352.6(ABCC8):c.4359C>T (p.Ala1453=)

Gene: ABCC8 (ATP binding cassette subfamily C member 8; minus strand). Cytogenetic location: 11p15.1.
Variant type: single nucleotide variant.
Coding change: c.4359C>T on transcript NM_000352.6 (MANE Select); coding-DNA position 4359, C replaced by T.
Protein change: p.Ala1453=; no amino-acid change (alanine 1453 retained).
Molecular consequence: synonymous variant. On other transcripts: non-coding transcript variant (1).
Genome position (GRCh38, 1-based): chr11:17,395,224, G>A on the plus strand (C>T on the coding strand, the complement: ABCC8 is on the minus strand). VCF-style: chr11-17395224-G-A. GRCh37 (hg19) VCF-style: chr11-17416771-G-A.
Other names: c.4362C>T, p.Ala1454= (NM_001287174.3); c.4425C>T, p.Ala1475= (NM_001351295.2); c.4359C>T, p.Ala1453= (NM_001351296.2); c.4356C>T, p.Ala1452= (NM_001351297.2); c.4359C>T (NM_000352.4).
Identifiers: ClinVar variation 1134831 (VCV001134831.33), dbSNP rs769435360, ClinGen allele CA5902488.
Genomic context (GRCh38, chr11:17,395,224, plus strand): 5'-GTAGTTACCGAGGCCTCCTGGCAGTGCCTTCACCACCAGCTTCAGCTGGGCGATTTCCAG[G>A]GCCTCCCACAGTGTGCTATCTGAGCACTTCCTCTCAGGGTCCAGGTTAAATCTGGAAGTG-3'
Protein context (NP_000343.2, residues 1443-1463): RKCSDSTLWE[Ala1453=]LEIAQLKLVV

ClinVar aggregate classification (germline): Likely benign. Review status: criteria provided, multiple submitters, no conflicts (2 of 4 stars). 3 submissions from 3 submitters: Likely benign (2). 1 of the submissions does not count toward it. Last evaluated 2024-02-12.

Conditions:
ABCC8-related disorder.

Allele frequency attached by ClinVar (database versions not stated): TOPMed below 0.00001; gnomAD 0.00002 and 0.00003.
gnomAD v4.1: 20 of 1,598,900 alleles (0.0013%); highest among the groups gnomAD compares: South Asian, 0.019%; 1 homozygote.

Submissions (3):

Labcorp Genetics (formerly Invitae), Labcorp
Classification: Likely benign. Last evaluated: 2024-02-12. Review status: criteria provided, single submitter. Criteria: Invitae Variant Classification Sherloc (09022015). Collection method: clinical testing. Allele origin: germline.

CeGaT Center for Human Genetics Tuebingen
Classification: Likely benign. Last evaluated: 2023-01-01. Review status: criteria provided, single submitter. Criteria: CeGaT Center For Human Genetics Tuebingen Variant Classification Criteria Version 2. Collection method: clinical testing. Allele origin: germline. Affected: yes. Observed: 1 variant allele.
Comment: ABCC8: BP4, BP7

PreventionGenetics, part of Exact Sciences
Classification: Likely benign for ABCC8-related condition. Last evaluated: 2021-04-20. Review status: no assertion criteria provided. Collection method: clinical testing. Allele origin: germline. Not counted in ClinVar's aggregate classification.
Comment: This variant is classified as likely benign based on ACMG/AMP sequence variant interpretation guidelines (Richards et al. 2015 PMID: 25741868, with internal and published modifications).